The following is an entry in ClinVar:

ClinVar aggregate classification (germline): Uncertain significance (1 of 4 stars; one submission).

Conditions:
Norman-Roberts syndrome (LIS2). Also called: Lissencephaly 2 (Norman-Roberts type). Identifiers: Orphanet 89844, MedGen C0796089, MONDO:0009760, OMIM 257320.
Familial temporal lobe epilepsy 7. Identifiers: Orphanet 101046, MedGen C4225327, MONDO:0014639, OMIM 616436.

Allele frequency attached by ClinVar (database versions not stated): TOPMed below 0.00001; gnomAD 0.00001.
gnomAD v4.1: 2 of 1,612,596 alleles (0.00012%); highest among the groups gnomAD compares: African/African-American, 0.0027%; no homozygotes.

Submission:

Labcorp Genetics (formerly Invitae), Labcorp
Classification: Uncertain significance for Familial temporal lobe epilepsy 7; Norman-Roberts syndrome. Last evaluated: 2023-05-11. Review status: criteria provided, single submitter. Criteria: Invitae Variant Classification Sherloc (09022015). Collection method: clinical testing. Allele origin: germline.
Comment: In summary, the available evidence is currently insufficient to determine the role of this variant in disease. Therefore, it has been classified as a Variant of Uncertain Significance. Algorithms developed to predict the effect of sequence changes on RNA splicing suggest that this variant may disrupt the consensus splice site. ClinVar contains an entry for this variant (Variation ID: 2131216). This variant has not been reported in the literature in individuals affected with RELN-related conditions. The frequency data for this variant in the population databases is considered unreliable, as metrics indicate poor data quality at this position in the gnomAD database. This sequence change affects codon 527 of the RELN mRNA. It is a 'silent' change, meaning that it does not change the encoded amino acid sequence of the RELN protein.

NM_005045.4(RELN):c.1581C>T (p.Ile527=)

Gene: RELN (reelin; minus strand). Cytogenetic location: 7q22.1.
Variant type: single nucleotide variant.
Coding change: c.1581C>T on transcript NM_005045.4 (MANE Select); coding-DNA position 1581, C replaced by T.
Protein change: p.Ile527=; no amino-acid change (isoleucine 527 retained).
Molecular consequence: synonymous variant.
Genome position (GRCh38, 1-based): chr7:103,652,733, G>A on the plus strand (C>T on the coding strand, the complement: RELN is on the minus strand). VCF-style: chr7-103652733-G-A. GRCh37 (hg19) VCF-style: chr7-103293180-G-A.
Other names: c.1581C>T, p.Ile527= (NM_173054.3).
Identifiers: ClinVar variation 2131216 (VCV002131216.4), dbSNP rs1211021120, ClinGen allele CA457030191.
Genomic context (GRCh38, chr7:103,652,733, plus strand): 5'-TCCTTGATGGTTCTTTTGCCTGAGACAAAATTTGGTAGCAGGAGTCTGAAGTTCAGGATT[G>A]ATGACCACAGAAACCAAAGACGGAACCTTTCAAACAAAGGAGACCAGAATCACTCAAAAT-3'
Protein context (NP_005036.2, residues 517-537): YKVPSLVSVV[Ile527=]NPELQTPATK